The following is an entry in ClinVar:

NM_001367624.2(ZNF469):c.796G>A (p.Gly266Ser)

Gene: ZNF469 (zinc finger protein 469; plus strand). Cytogenetic location: 16q24.2.
Variant type: single nucleotide variant.
Coding change: c.796G>A on transcript NM_001367624.2 (MANE Select); coding-DNA position 796, G replaced by A.
Protein change: p.Gly266Ser; replaces glycine 266 with serine.
Molecular consequence: missense variant.
Genome position (GRCh38, 1-based): chr16:88,428,266, G>A. VCF-style: chr16-88428266-G-A. GRCh37 (hg19) VCF-style: chr16-88494674-G-A.
Other names: NM_001127464.2:c.796G>A; NM_001127464.1:c.796G>A; p.Gly266Ser; short protein forms G266S.
Identifiers: ClinVar variation 1702154 (VCV001702154.8), dbSNP rs1874240607, ClinGen allele CA397061971.

ClinVar aggregate classification (germline): Uncertain significance. Review status: criteria provided, multiple submitters, no conflicts (2 of 4 stars). 4 submissions from 4 submitters: Uncertain significance (4). Last evaluated 2025-03-07.

Conditions:
Cardiovascular phenotype. Identifiers: MedGen CN230736.
Ehlers-Danlos syndrome (EDS). Identifiers: Orphanet 98249, MedGen C0013720, MONDO:0020066.

Allele frequency attached by ClinVar (database versions not stated): TOPMed 0.00001; gnomAD 0.00001.
gnomAD v4.1: 25 of 1,550,284 alleles (0.0016%); highest among the groups gnomAD compares: Non-Finnish European, 0.0019%; no homozygotes.

Submissions (4):

Labcorp Genetics (formerly Invitae), Labcorp
Classification: Uncertain significance. Last evaluated: 2025-03-07. Review status: criteria provided, single submitter. Criteria: Invitae Variant Classification Sherloc (09022015). Collection method: clinical testing. Allele origin: germline.
Comment: This sequence change replaces glycine, which is neutral and non-polar, with serine, which is neutral and polar, at codon 266 of the ZNF469 protein (p.Gly266Ser). This variant is not present in population databases (gnomAD no frequency). This variant has not been reported in the literature in individuals affected with ZNF469-related conditions. ClinVar contains an entry for this variant (Variation ID: 1702154). An algorithm developed to predict the effect of missense changes on protein structure and function outputs the following: PolyPhen-2: "Benign". The serine amino acid residue is found in multiple mammalian species, which suggests that this missense change does not adversely affect protein function. In summary, the available evidence is currently insufficient to determine the role of this variant in disease. Therefore, it has been classified as a Variant of Uncertain Significance.

Ambry Genetics
Classification: Uncertain significance for Cardiovascular phenotype. Last evaluated: 2023-06-23. Review status: criteria provided, single submitter. Criteria: Ambry Variant Classification Scheme 2023. Collection method: clinical testing. Allele origin: germline.

Mayo Clinic Laboratories, Mayo Clinic
Classification: Uncertain significance. Last evaluated: 2023-01-05. Review status: criteria provided, single submitter. Criteria: ACMG Guidelines, 2015. Collection method: clinical testing. Allele origin: germline. Observed: 1 variant allele.
Comment: BP4, PM2_supporting

Genome Diagnostics Laboratory, The Hospital for Sick Children
Classification: Uncertain significance for Ehlers-Danlos syndrome. Last evaluated: 2021-10-25. Review status: criteria provided, single submitter. Criteria: ACMG Guidelines, 2015. Collection method: clinical testing. Allele origin: germline.